The following is an entry in ClinVar:

ClinVar aggregate classification (germline): Pathogenic. Review status: criteria provided, multiple submitters, no conflicts (2 of 4 stars). 4 submissions from 4 submitters: Pathogenic (4). Last evaluated 2024-08-16.

Conditions:
Hereditary cancer-predisposing syndrome. Also called: Neoplastic Syndromes, Hereditary; Hereditary Cancer Syndrome; Tumor predisposition; Hereditary neoplastic syndrome. Identifiers: Orphanet 140162, MedGen C0027672, MeSH D009386, MONDO:0015356.
Familial cancer of breast. Also called: BREAST CANCER, FAMILIAL; Hereditary breast cancer; hereditary breast carcinoma. Identifiers: Orphanet 227535, MedGen C0346153, MONDO:0016419, OMIM 114480. Disease mechanism: loss of function.

Submissions (4):

Ambry Genetics
Classification: Pathogenic for Hereditary cancer-predisposing syndrome. Last evaluated: 2024-08-16. Review status: criteria provided, single submitter. Criteria: Ambry Variant Classification Scheme 2023. Collection method: clinical testing. Allele origin: germline.
Comment: The c.1817_1818delTT pathogenic mutation, located in coding exon 5 of the PALB2 gene, results from a deletion of two nucleotides at nucleotide positions 1817 to 1818, causing a translational frameshift with a predicted alternate stop codon (p.F606Sfs*10). This alteration was detected in a cohort of 8085 consecutive unselected Chinese breast cancer patients who underwent multi-gene panel testing (Sun J et al. Clin Cancer Res, 2017 Oct;23:6113-6119). This variant is considered to be rare based on population cohorts in the Genome Aggregation Database (gnomAD). In addition to the clinical data presented in the literature, this alteration is expected to result in loss of function by premature protein truncation or nonsense-mediated mRNA decay. As such, this alteration is interpreted as a disease-causing mutation.

Myriad Genetics, Inc.
Classification: Pathogenic for Familial cancer of breast. Last evaluated: 2023-09-11. Review status: criteria provided, single submitter. Criteria: Myriad Autosomal Dominant, Autosomal Recessive and X-Linked Classification Criteria (2023). Collection method: clinical testing. Allele origin: unknown.
Comment: This variant is considered pathogenic. This variant creates a frameshift predicted to result in premature protein truncation.

Color Diagnostics, LLC DBA Color Health
Classification: Pathogenic for Hereditary cancer-predisposing syndrome. Last evaluated: 2022-11-07. Review status: criteria provided, single submitter. Criteria: ACMG Guidelines, 2015. Collection method: clinical testing. Allele origin: germline.
Comment: This variant deletes 2 nucleotides in exon 5 of the PALB2 gene, creating a frameshift and premature translation stop signal. This variant is expected to result in an absent or non-functional protein product. To our knowledge, this variant has not been reported in individuals affected with hereditary cancer in the literature. This variant has not been identified in the general population by the Genome Aggregation Database (gnomAD). Loss of PALB2 function is a known mechanism of disease. Based on the available evidence, this variant is classified as Pathogenic.

Labcorp Genetics (formerly Invitae), Labcorp
Classification: Pathogenic for Familial cancer of breast. Last evaluated: 2022-08-06. Review status: criteria provided, single submitter. Criteria: Invitae Variant Classification Sherloc (09022015). Collection method: clinical testing. Allele origin: germline.
Comment: For these reasons, this variant has been classified as Pathogenic. Algorithms developed to predict the effect of sequence changes on RNA splicing suggest that this variant may disrupt the consensus splice site. ClinVar contains an entry for this variant (Variation ID: 402295). This premature translational stop signal has been observed in individual(s) with breast cancer (PMID: 28724667). This variant is not present in population databases (gnomAD no frequency). This sequence change creates a premature translational stop signal (p.Phe606Serfs*10) in the PALB2 gene. It is expected to result in an absent or disrupted protein product. Loss-of-function variants in PALB2 are known to be pathogenic (PMID: 17200668, 17200671, 17200672, 24136930, 25099575).

Literature cited by the submitters: PubMed 28724667 (cited by Ambry Genetics and Labcorp Genetics (formerly Invitae), Labcorp); PubMed 17200668 (cited by Labcorp Genetics (formerly Invitae), Labcorp); PubMed 17200671 (cited by Labcorp Genetics (formerly Invitae), Labcorp); PubMed 17200672 (cited by Labcorp Genetics (formerly Invitae), Labcorp); PubMed 24136930 (cited by Labcorp Genetics (formerly Invitae), Labcorp); PubMed 25099575 (cited by Labcorp Genetics (formerly Invitae), Labcorp).

NM_024675.4(PALB2):c.1817_1818del (p.Phe606fs)

Gene: PALB2 (partner and localizer of BRCA2; minus strand). Cytogenetic location: 16p12.2.
Variant type: Deletion.
Coding change: c.1817_1818del on transcript NM_024675.4 (MANE Select); coding-DNA positions 1817 to 1818, 2 bases deleted (TT; older notation c.1817_1818delTT).
Protein change: p.Phe606fs; shifts the reading frame from phenylalanine 606.
Molecular consequence: frameshift variant.
Genome position (GRCh38, 1-based): chr16:23,630,336-23,630,337, AA deleted on the plus strand (TT on the coding strand, the reverse complement: PALB2 is on the minus strand); deleting any 2 consecutive bases within chr16:23,630,336-23,630,339 gives the same sequence; the c. name uses the placement nearest the transcript's 3' end. VCF-style (leftmost placement, unchanged base first): chr16-23630335-GAA-G. GRCh37 (hg19) VCF-style: chr16-23641656-GAA-G.
Other names: c.1817_1818delTT (NM_024675.3); short protein forms F606fs.
Identifiers: ClinVar variation 402295 (VCV000402295.15), dbSNP rs1060499818, ClinGen allele CA16609597.
Genomic context (GRCh38, chr16:23,630,335, plus strand): 5'-CTTTTTCAAGCTTAAGAGGTCCAAAGTCTTCATCAGGTAACTGAAAGTCTGTGATACTGA[GAA>G]AAGACAGTAGTTGCTTTAAACTCAGCATTCCATCCCTATGAAATGGAGCCGTGAAAGCAT-3'